The following is an entry in ClinVar:

ClinVar aggregate classification (germline): Likely benign (1 of 4 stars; one submission).

Submission:

CeGaT Center for Human Genetics Tuebingen
Classification: Likely benign. Last evaluated: 2025-06-01. Review status: criteria provided, single submitter. Criteria: CeGaT Center For Human Genetics Tuebingen Variant Classification Criteria Version 2. Collection method: clinical testing. Allele origin: germline. Affected: yes. Observed: 1 variant allele.
Comment: DSPP: BP4

NM_014208.3(DSPP):c.3003C>T (p.Ser1001=)

Genes: DMP1-AS1 (DMP1 and DSPP antisense RNA 1; minus strand), DSPP (dentin sialophosphoprotein; plus strand). Cytogenetic location: 4q22.1.
Variant type: single nucleotide variant.
Coding change: c.3003C>T on transcript NM_014208.3 (MANE Select); coding-DNA position 3003, C replaced by T.
Protein change: p.Ser1001=; no amino-acid change (serine 1001 retained).
Molecular consequence: synonymous variant.
Genome position (GRCh38, 1-based): chr4:87,615,665, C>T. VCF-style: chr4-87615665-C-T. GRCh37 (hg19) VCF-style: chr4-88536817-C-T.
Identifiers: ClinVar variation 3904841 (VCV003904841.10).